The following is an entry in ClinVar:

NM_003640.5(ELP1):c.2363A>G (p.Lys788Arg)

Gene: ELP1 (elongator acetyltransferase complex subunit 1; minus strand). Cytogenetic location: 9q31.3.
Variant type: single nucleotide variant.
Coding change: c.2363A>G on transcript NM_003640.5 (MANE Select); coding-DNA position 2363, A replaced by G.
Protein change: p.Lys788Arg; replaces lysine 788 with arginine.
Molecular consequence: missense variant.
Genome position (GRCh38, 1-based): chr9:108,898,502, T>C on the plus strand (A>G on the coding strand, the complement: ELP1 is on the minus strand). VCF-style: chr9-108898502-T-C. GRCh37 (hg19) VCF-style: chr9-111660782-T-C.
Other names: c.2021A>G, p.Lys674Arg (NM_001318360.2); c.1316A>G, p.Lys439Arg (NM_001330749.2); short protein forms K674R, K439R, K788R.
Identifiers: ClinVar variation 2151492 (VCV002151492.1), dbSNP rs1265243953, ClinGen allele CA374421704.

ClinVar aggregate classification (germline): Uncertain significance (1 of 4 stars; one submission).

Allele frequency attached by ClinVar (database versions not stated): TOPMed below 0.00001.
gnomAD v4.1: 3 of 1,503,576 alleles (0.0002%); highest among the groups gnomAD compares: Admixed American, 0.0051%; no homozygotes.

Submission:

Labcorp Genetics (formerly Invitae), Labcorp
Classification: Uncertain significance. Last evaluated: 2022-07-25. Review status: criteria provided, single submitter. Criteria: Invitae Variant Classification Sherloc (09022015). Collection method: clinical testing. Allele origin: germline.
Comment: This sequence change replaces lysine, which is basic and polar, with arginine, which is basic and polar, at codon 788 of the ELP1 protein (p.Lys788Arg). This variant is present in population databases (no rsID available, gnomAD 0.009%). This variant has not been reported in the literature in individuals affected with ELP1-related conditions. Algorithms developed to predict the effect of missense changes on protein structure and function (SIFT, PolyPhen-2, Align-GVGD) all suggest that this variant is likely to be tolerated. Algorithms developed to predict the effect of sequence changes on RNA splicing suggest that this variant may create or strengthen a splice site. In summary, the available evidence is currently insufficient to determine the role of this variant in disease. Therefore, it has been classified as a Variant of Uncertain Significance.